The following is an entry in ClinVar:

ClinVar aggregate classification (germline): Uncertain significance. Review status: criteria provided, multiple submitters, no conflicts (2 of 4 stars). 4 submissions from 4 submitters: Uncertain significance (4). Last evaluated 2025-12-21.

Conditions:
Cardiovascular phenotype. Identifiers: MedGen CN230736.
Progressive familial heart block type IB (PFHB1B). Identifiers: Orphanet 871, MedGen C1970298, MONDO:0011474, OMIM 604559.

Allele frequency attached by ClinVar (database versions not stated): ExAC 0.00001; gnomAD exomes 0.00001; gnomAD 0.00002; TOPMed 0.00002.
gnomAD v4.1: 22 of 1,605,538 alleles (0.0014%); highest among the groups gnomAD compares: Non-Finnish European, 0.0018%; no homozygotes.

Submissions (4):

Labcorp Genetics (formerly Invitae), Labcorp
Classification: Uncertain significance for Progressive familial heart block type IB. Last evaluated: 2025-12-21. Review status: criteria provided, single submitter. Criteria: Invitae Variant Classification Sherloc (09022015). Collection method: clinical testing. Allele origin: germline.
Comment: This sequence change replaces cysteine, which is neutral and slightly polar, with tyrosine, which is neutral and polar, at codon 1182 of the TRPM4 protein (p.Cys1182Tyr). This variant is present in population databases (rs757878891, gnomAD 0.004%). This variant has not been reported in the literature in individuals affected with TRPM4-related conditions. ClinVar contains an entry for this variant (Variation ID: 893768). An algorithm developed to predict the effect of missense changes on protein structure and function (PolyPhen-2) suggests that this variant is likely to be disruptive. In summary, the available evidence is currently insufficient to determine the role of this variant in disease. Therefore, it has been classified as a Variant of Uncertain Significance.

Ambry Genetics
Classification: Uncertain significance for Cardiovascular phenotype. Last evaluated: 2025-01-15. Review status: criteria provided, single submitter. Criteria: Ambry Variant Classification Scheme 2023. Collection method: clinical testing. Allele origin: germline.

GeneDx
Classification: Uncertain significance. Last evaluated: 2021-04-30. Review status: criteria provided, single submitter. Criteria: GeneDx Variant Classification Process June 2021. Collection method: clinical testing. Allele origin: germline. Affected: yes.
Comment: Has not been previously published as pathogenic or benign to our knowledge; Not observed at a significant frequency in large population cohorts (Lek et al., 2016); In silico analysis supports that this missense variant has a deleterious effect on protein structure/function

Illumina Laboratory Services, Illumina
Classification: Uncertain significance for Progressive familial heart block type IB. Last evaluated: 2018-03-30. Review status: criteria provided, single submitter. Criteria: ICSL Variant Classification Criteria 13 December 2019. Collection method: clinical testing. Allele origin: germline.

NM_017636.4(TRPM4):c.3545G>A (p.Cys1182Tyr)

Gene: TRPM4 (transient receptor potential cation channel subfamily M member 4; plus strand). Cytogenetic location: 19q13.33.
Variant type: single nucleotide variant.
Coding change: c.3545G>A on transcript NM_017636.4 (MANE Select); coding-DNA position 3545, G replaced by A.
Protein change: p.Cys1182Tyr; replaces cysteine 1182 with tyrosine.
Molecular consequence: missense variant.
Genome position (GRCh38, 1-based): chr19:49,211,174, G>A. VCF-style: chr19-49211174-G-A. GRCh37 (hg19) VCF-style: chr19-49714431-G-A.
Other names: c.3110G>A, p.Cys1037Tyr (NM_001195227.2); c.3200G>A, p.Cys1067Tyr (NM_001321281.2); c.1937G>A, p.Cys646Tyr (NM_001321282.2); c.3023G>A, p.Cys1008Tyr (NM_001321283.2); c.2483G>A, p.Cys828Tyr (NM_001321285.2); short protein forms C1067Y, C1182Y, C1037Y, C646Y, C1008Y, C828Y.
Identifiers: ClinVar variation 893768 (VCV000893768.11), dbSNP rs757878891, ClinGen allele CA9569969.